The following is an entry in ClinVar:

NM_001170629.2(CHD8):c.1567G>A (p.Gly523Ser)

Gene: CHD8 (chromodomain helicase DNA binding protein 8; minus strand). Cytogenetic location: 14q11.2.
Variant type: single nucleotide variant.
Coding change: c.1567G>A on transcript NM_001170629.2 (MANE Select); coding-DNA position 1567, G replaced by A.
Protein change: p.Gly523Ser; replaces glycine 523 with serine.
Molecular consequence: missense variant.
Genome position (GRCh38, 1-based): chr14:21,427,903, C>T on the plus strand (G>A on the coding strand, the complement: CHD8 is on the minus strand). VCF-style: chr14-21427903-C-T. GRCh37 (hg19) VCF-style: chr14-21896062-C-T.
Other names: c.730G>A, p.Gly244Ser (NM_020920.4); short protein forms G244S, G523S.
Identifiers: ClinVar variation 3004766 (VCV003004766.3), dbSNP rs1889396722, ClinGen allele CA388882563.

ClinVar aggregate classification (germline): Uncertain significance (1 of 4 stars; one submission).

Allele frequency attached by ClinVar (database versions not stated): gnomAD 0.00001; gnomAD exomes 0.00001; TOPMed 0.00001.
gnomAD v4.1: 6 of 1,613,938 alleles (0.00037%); highest among the groups gnomAD compares: African/African-American, 0.0013%; no homozygotes.

Submission:

Labcorp Genetics (formerly Invitae), Labcorp
Classification: Uncertain significance. Last evaluated: 2023-12-30. Review status: criteria provided, single submitter. Criteria: Invitae Variant Classification Sherloc (09022015). Collection method: clinical testing. Allele origin: germline.
Comment: This sequence change replaces glycine, which is neutral and non-polar, with serine, which is neutral and polar, at codon 523 of the CHD8 protein (p.Gly523Ser). This variant is not present in population databases (gnomAD no frequency). This variant has not been reported in the literature in individuals affected with CHD8-related conditions. Advanced modeling of protein sequence and biophysical properties (such as structural, functional, and spatial information, amino acid conservation, physicochemical variation, residue mobility, and thermodynamic stability) performed at Invitae indicates that this missense variant is not expected to disrupt CHD8 protein function with a negative predictive value of 80%. In summary, the available evidence is currently insufficient to determine the role of this variant in disease. Therefore, it has been classified as a Variant of Uncertain Significance.